The following is an entry in ClinVar:

ClinVar aggregate classification (germline): Uncertain significance (1 of 4 stars; one submission).

Conditions:
Fanconi anemia (FA). Also called: Fanconi's anemia. Identifiers: Orphanet 84, MedGen C0015625, MeSH D005199, MONDO:0019391.

Submission:

Labcorp Genetics (formerly Invitae), Labcorp
Classification: Uncertain significance for Fanconi anemia. Last evaluated: 2019-11-09. Review status: criteria provided, single submitter. Criteria: Invitae Variant Classification Sherloc (09022015). Collection method: clinical testing. Allele origin: germline.
Comment: This sequence change replaces phenylalanine with serine at codon 655 of the SLX4 protein (p.Phe655Ser). The phenylalanine residue is moderately conserved and there is a large physicochemical difference between phenylalanine and serine. This variant is not present in population databases (ExAC no frequency). In summary, the available evidence is currently insufficient to determine the role of this variant in disease. Therefore, it has been classified as a Variant of Uncertain Significance. Algorithms developed to predict the effect of missense changes on protein structure and function do not agree on the potential impact of this missense change (SIFT: "Tolerated"; PolyPhen-2: "Probably Damaging"; Align-GVGD: "Class C0"). This variant has not been reported in the literature in individuals with SLX4-related disease.

NM_032444.4(SLX4):c.1964T>C (p.Phe655Ser)

Gene: SLX4 (SLX4 structure-specific endonuclease subunit; minus strand). Cytogenetic location: 16p13.3.
Variant type: single nucleotide variant.
Coding change: c.1964T>C on transcript NM_032444.4 (MANE Select); coding-DNA position 1964, T replaced by C.
Protein change: p.Phe655Ser; replaces phenylalanine 655 with serine.
Molecular consequence: missense variant.
Genome position (GRCh38, 1-based): chr16:3,595,654, A>G on the plus strand (T>C on the coding strand, the complement: SLX4 is on the minus strand). VCF-style: chr16-3595654-A-G. GRCh37 (hg19) VCF-style: chr16-3645655-A-G.
Other names: c.1964T>C (LRG_503t1); short protein forms F655S.
Identifiers: ClinVar variation 565430 (VCV000565430.11), dbSNP rs1567172921, ClinGen allele CA394526669.
Genomic context (GRCh38, chr16:3,595,654, plus strand): 5'-CCAGTTCTTACCAAGGTGCGGCCGCCCCTGTCCGGGTGCTTGTCCTGCGATGGCACCACA[A>G]ACCCAGTCAGAGGAAGGCCGCCGGGCACCACGTCCAACCCTGAGTGGAGGATTCACAGGT-3'
Protein context (NP_115820.2, residues 645-665): VVPGGLPLTG[Phe655Ser]VVPSQDKHPD